The following is an entry in ClinVar:

NM_000135.4(FANCA):c.2692C>G (p.Leu898Val)

Genes: FANCA (FA complementation group A; minus strand), LOC130059837 (ATAC-STARR-seq lymphoblastoid active region 11420; plus strand). Cytogenetic location: 16q24.3.
Variant type: single nucleotide variant.
Coding change: c.2692C>G on transcript NM_000135.4 (MANE Select); coding-DNA position 2692, C replaced by G.
Protein change: p.Leu898Val; replaces leucine 898 with valine.
Molecular consequence: missense variant.
Genome position (GRCh38, 1-based): chr16:89,764,976, G>C on the plus strand (C>G on the coding strand, the complement: FANCA is on the minus strand). VCF-style: chr16-89764976-G-C. GRCh37 (hg19) VCF-style: chr16-89831384-G-C.
Other names: c.2692C>G, p.Leu898Val (NM_001286167.3); short protein forms L898V.
Identifiers: ClinVar variation 2050719 (VCV002050719.5), dbSNP rs2143288759, ClinGen allele CA397438395.

ClinVar aggregate classification (germline): Uncertain significance. Review status: criteria provided, multiple submitters, no conflicts (2 of 4 stars). 2 submissions from 2 submitters: Uncertain significance (2). Last evaluated 2025-05-06.

Conditions:
Inborn genetic diseases. Identifiers: MedGen C0950123, MeSH D030342.
Fanconi anemia (FA). Also called: Fanconi's anemia. Identifiers: Orphanet 84, MedGen C0015625, MeSH D005199, MONDO:0019391.

gnomAD v4.1: 2 of 1,614,244 alleles (0.00012%); highest among the groups gnomAD compares: Non-Finnish European, 0.00017%; no homozygotes.

Submissions (2):

Ambry Genetics
Classification: Uncertain significance for Inborn genetic diseases. Last evaluated: 2025-05-06. Review status: criteria provided, single submitter. Criteria: Ambry Variant Classification Scheme 2023. Collection method: clinical testing. Allele origin: germline.
Comment: The p.L898V variant (also known as c.2692C>G), located in coding exon 28 of the FANCA gene, results from a C to G substitution at nucleotide position 2692. The leucine at codon 898 is replaced by valine, an amino acid with highly similar properties. This amino acid position is conserved. In addition, this alteration is predicted to be tolerated by in silico analysis. Based on the available evidence, the clinical significance of this variant remains unclear.

Labcorp Genetics (formerly Invitae), Labcorp
Classification: Uncertain significance for Fanconi anemia. Last evaluated: 2022-07-20. Review status: criteria provided, single submitter. Criteria: Invitae Variant Classification Sherloc (09022015). Collection method: clinical testing. Allele origin: germline.
Comment: In summary, the available evidence is currently insufficient to determine the role of this variant in disease. Therefore, it has been classified as a Variant of Uncertain Significance. Advanced modeling of protein sequence and biophysical properties (such as structural, functional, and spatial information, amino acid conservation, physicochemical variation, residue mobility, and thermodynamic stability) performed at Invitae indicates that this missense variant is not expected to disrupt FANCA protein function. This variant has not been reported in the literature in individuals affected with FANCA-related conditions. This variant is not present in population databases (gnomAD no frequency). This sequence change replaces leucine, which is neutral and non-polar, with valine, which is neutral and non-polar, at codon 898 of the FANCA protein (p.Leu898Val).